The following is an entry in ClinVar:

ClinVar aggregate classification (germline): Uncertain significance (1 of 4 stars; one submission).

Conditions:
Inborn genetic diseases. Identifiers: MedGen C0950123, MeSH D030342.

Submission:

Ambry Genetics
Classification: Uncertain significance for Inborn genetic diseases. Last evaluated: 2026-09-05. Review status: criteria provided, single submitter. Criteria: Ambry Variant Classification Scheme 2023. Collection method: clinical testing. Allele origin: germline.
Comment: The p.I46M variant (also known as c.138A>G), located in coding exon 2 of the BMPR2 gene, results from an A to G substitution at nucleotide position 138. The isoleucine at codon 46 is replaced by methionine, an amino acid with highly similar properties. This amino acid position is conserved. In addition, the in silico prediction for this alteration is inconclusive. Based on the available evidence, the clinical significance of this variant remains unclear.

NM_001204.7(BMPR2):c.138A>G (p.Ile46Met)

Gene: BMPR2 (bone morphogenetic protein receptor type 2; plus strand). Cytogenetic location: 2q33.1.
Variant type: single nucleotide variant.
Coding change: c.138A>G on transcript NM_001204.7 (MANE Select); coding-DNA position 138, A replaced by G.
Protein change: p.Ile46Met; replaces isoleucine 46 with methionine.
Molecular consequence: missense variant.
Genome position (GRCh38, 1-based): chr2:202,464,870, A>G. VCF-style: chr2-202464870-A-G. GRCh37 (hg19) VCF-style: chr2-203329593-A-G.
Other names: short protein forms I46M.
Identifiers: ClinVar variation 5033053 (VCV005033053.1).